The following is an entry in ClinVar:

NM_000179.3(MSH6):c.2489C>T (p.Ser830Phe)

Gene: MSH6 (mutS homolog 6; plus strand). Cytogenetic location: 2p16.3.
Variant type: single nucleotide variant.
Coding change: c.2489C>T on transcript NM_000179.3 (MANE Select); coding-DNA position 2489, C replaced by T.
Protein change: p.Ser830Phe; replaces serine 830 with phenylalanine.
Molecular consequence: missense variant.
Genome position (GRCh38, 1-based): chr2:47,800,472, C>T. VCF-style: chr2-47800472-C-T. GRCh37 (hg19) VCF-style: chr2-48027611-C-T.
Other names: c.2099C>T, p.Ser700Phe (NM_001281492.2); c.1583C>T, p.Ser528Phe (NM_001281493.2, NM_001281494.2); short protein forms S830F, S700F, S528F.
Identifiers: ClinVar variation 962943 (VCV000962943.11), dbSNP rs1669469593, ClinGen allele CA346754203.

ClinVar aggregate classification (germline): Uncertain significance. Review status: criteria provided, multiple submitters, no conflicts (2 of 4 stars). 2 submissions from 2 submitters: Uncertain significance (2). Last evaluated 2023-07-11.

Conditions:
Endometrial carcinoma. Also called: Endometrial carcinoma, somatic. Identifiers: MedGen C0476089, MONDO:0002447, OMIM 608089, HP:0012114.
Hereditary nonpolyposis colorectal neoplasms. Identifiers: MedGen C0009405, MeSH D003123.

Submissions (2):

Baylor Genetics
Classification: Uncertain significance for Endometrial carcinoma. Last evaluated: 2023-07-11. Review status: criteria provided, single submitter. Criteria: ACMG Guidelines, 2015. Collection method: clinical testing. Allele origin: unknown.

Labcorp Genetics (formerly Invitae), Labcorp
Classification: Uncertain significance for Hereditary nonpolyposis colorectal neoplasms. Last evaluated: 2022-12-18. Review status: criteria provided, single submitter. Criteria: Invitae Variant Classification Sherloc (09022015). Collection method: clinical testing. Allele origin: germline.
Comment: In summary, the available evidence is currently insufficient to determine the role of this variant in disease. Therefore, it has been classified as a Variant of Uncertain Significance. Advanced modeling of protein sequence and biophysical properties (such as structural, functional, and spatial information, amino acid conservation, physicochemical variation, residue mobility, and thermodynamic stability) performed at Invitae indicates that this missense variant is not expected to disrupt MSH6 protein function. This sequence change replaces serine, which is neutral and polar, with phenylalanine, which is neutral and non-polar, at codon 830 of the MSH6 protein (p.Ser830Phe). This variant is not present in population databases (gnomAD no frequency). This variant has not been reported in the literature in individuals affected with MSH6-related conditions. ClinVar contains an entry for this variant (Variation ID: 962943).